The following is an entry in ClinVar:

ClinVar aggregate classification (germline): Benign/Likely benign. Review status: criteria provided, multiple submitters, no conflicts (2 of 4 stars). 3 submissions from 3 submitters: Benign (1); Likely benign (2). Last evaluated 2025-07-24.

Allele frequency attached by ClinVar (database versions not stated): ExAC 0.00036; ESP Exome Variant Server 0.00106; TOPMed 0.00145; gnomAD 0.00150; 1000 Genomes Project 0.00160; 1000 Genomes Project 30x 0.00172.
gnomAD v4.1: 413 of 1,585,532 alleles (0.026%); highest among the groups gnomAD compares: African/African-American, 0.49%; 2 homozygotes.

Submissions (3):

Mayo Clinic Laboratories, Mayo Clinic
Classification: Likely benign. Last evaluated: 2025-07-24. Review status: criteria provided, single submitter. Criteria: ACMG Guidelines, 2015. Collection method: clinical testing. Allele origin: germline. Observed: 1 variant allele.
Comment: BS1, BP4, BP7

Labcorp Genetics (formerly Invitae), Labcorp
Classification: Benign. Last evaluated: 2025-06-12. Review status: criteria provided, single submitter. Criteria: Invitae Variant Classification Sherloc (09022015). Collection method: clinical testing. Allele origin: germline.

Blueprint Genetics
Classification: Likely benign. Last evaluated: 2024-07-08. Review status: criteria provided, single submitter. Criteria: ACMG Guidelines, 2015. Collection method: clinical testing. Allele origin: germline.

NM_016341.4(PLCE1):c.4053+8C>T

Gene: PLCE1 (phospholipase C epsilon 1; plus strand). Cytogenetic location: 10q23.33.
Variant type: single nucleotide variant.
Coding change: c.4053+8C>T on transcript NM_016341.4 (MANE Select); 8 bases into the intron after coding-DNA position 4053, C replaced by T.
Molecular consequence: intron variant.
Genome position (GRCh38, 1-based): chr10:94,262,740, C>T. VCF-style: chr10-94262740-C-T. GRCh37 (hg19) VCF-style: chr10-96022497-C-T.
Other names: p.?; c.4005+8C>T (NM_001288989.2); c.3129+8C>T (NM_001165979.2).
Identifiers: ClinVar variation 2061437 (VCV002061437.6), dbSNP rs200039087, ClinGen allele CA5613042.